The following is an entry in ClinVar:

ClinVar aggregate classification (germline): Likely benign (1 of 4 stars; one submission).

Submission:

GeneDx
Classification: Likely benign. Last evaluated: 2018-03-21. Review status: criteria provided, single submitter. Criteria: GeneDx Variant Classification (06012015). Collection method: clinical testing. Allele origin: germline. Affected: yes.
Comment: This variant is considered likely benign or benign based on one or more of the following criteria: it is a conservative change, it occurs at a poorly conserved position in the protein, it is predicted to be benign by multiple in silico algorithms, and/or has population frequency not consistent with disease.

NM_006059.4(LAMC3):c.2748-14T>G

Gene: LAMC3 (laminin subunit gamma 3; plus strand). Cytogenetic location: 9q34.12.
Variant type: single nucleotide variant.
Coding change: c.2748-14T>G on transcript NM_006059.4 (MANE Select); 14 bases into the intron before coding-DNA position 2748, T replaced by G.
Molecular consequence: intron variant.
Genome position (GRCh38, 1-based): chr9:131,068,894, T>G. VCF-style: chr9-131068894-T-G. GRCh37 (hg19) VCF-style: chr9-133944281-T-G.
Identifiers: ClinVar variation 680439 (VCV000680439.1), dbSNP rs1588162238, ClinGen allele CA915947328.